The following is an entry in ClinVar:

NM_015506.3(MMACHC):c.178dup (p.Asp60fs)

Gene: MMACHC (metabolism of cobalamin associated C; plus strand). Cytogenetic location: 1p34.1.
Variant type: Duplication.
Coding change: c.178dup on transcript NM_015506.3 (MANE Select); coding-DNA position 178, one base duplicated (G; older notation c.178dupG).
Protein change: p.Asp60fs; shifts the reading frame from aspartic acid 60.
Molecular consequence: frameshift variant.
Genome position (GRCh38, 1-based): chr1:45,507,452, G duplicated. VCF-style (leftmost placement, unchanged base first): chr1-45507451-T-TG. GRCh37 (hg19) VCF-style: chr1-45973123-T-TG.
Other names: c.178dupG (NM_015506.2); c.7dup, p.Asp3fs (NM_001330540.2); short protein forms D3fs, D60fs.
Identifiers: ClinVar variation 813348 (VCV000813348.6), dbSNP rs1570829757, ClinGen allele CA915941282.

ClinVar aggregate classification (germline): Pathogenic. Review status: criteria provided, multiple submitters, no conflicts (2 of 4 stars). 2 submissions from 2 submitters: Pathogenic (2). Last evaluated 2024-10-22.

Conditions:
Cobalamin C disease. Also called: methylmalonic aciduria and homocystinuria type cblC; Methylmalonic aciduria with homocystinuria cblC type; Cobalamin-C methylmalonic acidemia and homocystinuria; Methylmalonic acidemia and homocystinuria cblC type; Methylmalonic aciduria and homocystinuria, Vitamin B12-responsive; Vitamin B12 metabolic defect with combined deficiency of methylmalonyl-CoA mutase and homocysteine:methyltetrahydrofolate methyltransferase. Identifiers: Orphanet 26, Orphanet 79282, MedGen C1848561, MONDO:0010184, OMIM 277400.

Submissions (2):

Natera, Inc.
Classification: Pathogenic for Methylmalonic aciduria and homocystinuria cblC type. Last evaluated: 2024-10-22. Review status: criteria provided, single submitter. Criteria: Natera Variant Classification Schema (03/2026). Collection method: clinical testing. Allele origin: germline.
Comment: The c.178dupG variant in MMACHC is a frameshift variant predicted to shift the reading frame beginning at codon 60 and leads to a stop codon 18 codons downstream. This variant is expected to result in nonsense mediated decay, truncation, or a dysfunctional protein product. This variant is rare in the general population with a frequency below the threshold expected for the associated phenotype(s). This variant has been observed in one or more individuals affected with the associated recessive disease, as either homozygous or compound heterozygous with a second variant (PMID: 38070096). Given the available evidence, this variant is classified as Pathogenic.

Labcorp Genetics (formerly Invitae), Labcorp
Classification: Pathogenic for Cobalamin C disease. Last evaluated: 2024-01-08. Review status: criteria provided, single submitter. Criteria: Invitae Variant Classification Sherloc (09022015). Collection method: clinical testing. Allele origin: germline.
Comment: This sequence change creates a premature translational stop signal (p.Asp60Glyfs*18) in the MMACHC gene. It is expected to result in an absent or disrupted protein product. Loss-of-function variants in MMACHC are known to be pathogenic (PMID: 16311595). This variant is not present in population databases (gnomAD no frequency). This premature translational stop signal has been observed in individual(s) with combined methylmalonic academia and homocystinuria, cobalamin C type (PMID: 33691766). ClinVar contains an entry for this variant (Variation ID: 813348). For these reasons, this variant has been classified as Pathogenic.

Literature cited by the submitters: PubMed 38070096 (cited by Natera, Inc.); PubMed 16311595 (cited by Labcorp Genetics (formerly Invitae), Labcorp); PubMed 33691766 (cited by Labcorp Genetics (formerly Invitae), Labcorp).